The following is an entry in ClinVar:

NM_000540.3(RYR1):c.7724G>A (p.Arg2575His)

Gene: RYR1 (ryanodine receptor 1; plus strand). Cytogenetic location: 19q13.2.
Variant type: single nucleotide variant.
Coding change: c.7724G>A on transcript NM_000540.3 (MANE Select); coding-DNA position 7724, G replaced by A.
Protein change: p.Arg2575His; replaces arginine 2575 with histidine.
Molecular consequence: missense variant.
Genome position (GRCh38, 1-based): chr19:38,502,616, G>A. VCF-style: chr19-38502616-G-A. GRCh37 (hg19) VCF-style: chr19-38993256-G-A.
Other names: c.7724G>A, p.Arg2575His (NM_001042723.2); short protein forms R2575H.
Identifiers: ClinVar variation 955850 (VCV000955850.9), dbSNP rs369450781, ClinGen allele CA070067.
Genomic context (GRCh38, chr19:38,502,616, plus strand): 5'-GCCTGGCCGTGCTGCCGCTCATCACCAAGTGTGCGCCGCTCTTTGCGGGCACAGAACACC[G>A]CGCCATCATGGTGGACTCTATGCTGCATACCGTGTACCGCCTGTCTCGGGGTCGTTCGCT-3'
Protein context (NP_000531.2, residues 2565-2585): CAPLFAGTEH[Arg2575His]AIMVDSMLHT

ClinVar aggregate classification (germline): Uncertain significance. Review status: criteria provided, multiple submitters, no conflicts (2 of 4 stars). 3 submissions from 3 submitters: Uncertain significance (3). Last evaluated 2025-05-21.

Conditions:
Malignant hyperthermia, susceptibility to, 1 (MHS1). Also called: RYR1-Related Malignant Hyperthermia Susceptibility; Malignant hyperthermia suceptibility 1; Anesthesia related hyperthermia; Malignant hyperpyrexia; Fulminating hyperpyrexia; Pharmacogenic myopathy. Identifiers: Orphanet 423, MedGen C2930980, MONDO:0007783, OMIM 145600.
RYR1-related disorder. Also called: RYR1-related condition; RYR1-related disorders. Identifiers: MedGen CN239331.

Allele frequency attached by ClinVar (database versions not stated): gnomAD exomes below 0.00001; ExAC 0.00001; gnomAD 0.00001; TOPMed 0.00003; ESP Exome Variant Server 0.00008.
gnomAD v4.1: 6 of 1,612,870 alleles (0.00037%); highest among the groups gnomAD compares: African/African-American, 0.0053%; no homozygotes.

Submissions (3):

Color Diagnostics, LLC DBA Color Health
Classification: Uncertain significance for Malignant hyperthermia, susceptibility to, 1. Last evaluated: 2025-05-21. Review status: criteria provided, single submitter. Criteria: ACMG Guidelines, 2015. Collection method: clinical testing. Allele origin: germline.
Comment: This missense variant replaces arginine with histidine at codon 2575 of the RYR1 protein. Computational prediction suggests that this variant may not impact protein structure and function. To our knowledge, functional studies have not been reported for this variant. This variant has not been reported in individuals affected with RYR1-related disorders in the literature. This variant has not been identified in the general population by the Genome Aggregation Database (gnomAD). The available evidence is insufficient to determine the role of this variant in disease conclusively. Therefore, this variant is classified as a Variant of Uncertain Significance.

Labcorp Genetics (formerly Invitae), Labcorp
Classification: Uncertain significance for RYR1-related disorder. Last evaluated: 2024-10-12. Review status: criteria provided, single submitter. Criteria: Invitae Variant Classification Sherloc (09022015). Collection method: clinical testing. Allele origin: germline.
Comment: This sequence change replaces arginine, which is basic and polar, with histidine, which is basic and polar, at codon 2575 of the RYR1 protein (p.Arg2575His). This variant is present in population databases (rs369450781, gnomAD 0.007%). This variant has not been reported in the literature in individuals affected with RYR1-related conditions. ClinVar contains an entry for this variant (Variation ID: 955850). Invitae Evidence Modeling of protein sequence and biophysical properties (such as structural, functional, and spatial information, amino acid conservation, physicochemical variation, residue mobility, and thermodynamic stability) indicates that this missense variant is not expected to disrupt RYR1 protein function with a negative predictive value of 95%. In summary, the available evidence is currently insufficient to determine the role of this variant in disease. Therefore, it has been classified as a Variant of Uncertain Significance.

All of Us Research Program, National Institutes of Health
Classification: Uncertain significance for Malignant hyperthermia, susceptibility to, 1. Last evaluated: 2023-04-15. Review status: criteria provided, single submitter. Criteria: ACMG Guidelines, 2015. Collection method: clinical testing. Allele origin: germline. Inheritance: Autosomal dominant inheritance. Observed: 1 variant allele, 1 heterozygote.
Comment: This study involves interpretation of variants in research participants for the purpose of population health screening. Participant phenotype was not available at the time of variant classification. Additional details can be found in publication PMID: 35346344, PMCID: PMC8962531